The following is an entry in ClinVar:

ClinVar aggregate classification (germline): Uncertain significance (1 of 4 stars; one submission).

Conditions:
Congenital hyperammonemia, type I. Also called: Carbamoyl-phosphate synthase I deficiency; CPS I DEFICIENCY; Carbamoyl phosphate synthetase 1 deficiency; Hyperammonemia due to carbamoyl phosphate synthetase 1 deficiency; CPS 1 deficiency; Carbamyl phosphate synthetase (CPS) deficiency. Identifiers: Orphanet 147, MedGen C4082171, MONDO:0009376, OMIM 237300.

Allele frequency attached by ClinVar (database versions not stated): gnomAD exomes below 0.00001; ExAC 0.00001; ESP Exome Variant Server 0.00008.
gnomAD v4.1: 1 of 1,613,766 alleles (0.000062%); highest among the groups gnomAD compares: Non-Finnish European, 0.000085%; no homozygotes.

Submission:

Labcorp Genetics (formerly Invitae), Labcorp
Classification: Uncertain significance for Congenital hyperammonemia, type I. Last evaluated: 2022-06-25. Review status: criteria provided, single submitter. Criteria: Invitae Variant Classification Sherloc (09022015). Collection method: clinical testing. Allele origin: germline.
Comment: This sequence change replaces isoleucine, which is neutral and non-polar, with valine, which is neutral and non-polar, at codon 101 of the CPS1 protein (p.Ile101Val). This variant is present in population databases (rs375511261, gnomAD 0.0009%). This variant has not been reported in the literature in individuals affected with CPS1-related conditions. Algorithms developed to predict the effect of missense changes on protein structure and function output the following: SIFT: "Tolerated"; PolyPhen-2: "Benign"; Align-GVGD: "Class C0". The valine amino acid residue is found in multiple mammalian species, which suggests that this missense change does not adversely affect protein function. In summary, the available evidence is currently insufficient to determine the role of this variant in disease. Therefore, it has been classified as a Variant of Uncertain Significance.

NM_001875.5(CPS1):c.301A>G (p.Ile101Val)

Gene: CPS1 (carbamoyl-phosphate synthase 1; plus strand). Cytogenetic location: 2q34.
Variant type: single nucleotide variant.
Coding change: c.301A>G on transcript NM_001875.5 (MANE Select); coding-DNA position 301, A replaced by G.
Protein change: p.Ile101Val; replaces isoleucine 101 with valine.
Molecular consequence: missense variant. On other transcripts: non-coding transcript variant (1).
Genome position (GRCh38, 1-based): chr2:210,576,410, A>G. VCF-style: chr2-210576410-A-G. GRCh37 (hg19) VCF-style: chr2-211441134-A-G.
Other names: c.301A>G, p.Ile101Val (NM_001122633.3, NM_001369257.1); c.334A>G, p.Ile112Val (NM_001369256.1); short protein forms I112V, I101V.
Identifiers: ClinVar variation 1963424 (VCV001963424.2), dbSNP rs375511261, ClinGen allele CA2085986.